The following is an entry in ClinVar:

NM_000133.4(F9):c.304T>C (p.Cys102Arg)

Gene: F9 (coagulation factor IX; plus strand). Cytogenetic location: Xq27.1.
Variant type: single nucleotide variant.
Coding change: c.304T>C on transcript NM_000133.4 (MANE Select); coding-DNA position 304, T replaced by C.
Protein change: p.Cys102Arg; replaces cysteine 102 with arginine.
Molecular consequence: missense variant. On other transcripts: intron variant (1).
Genome position (GRCh38, 1-based): chrX:139,541,102, T>C. VCF-style: chrX-139541102-T-C. GRCh37 (hg19) VCF-style: chrX-138623261-T-C.
Other names: c.277+3716T>C (NM_001313913.2); short protein forms C102R.
Identifiers: ClinVar variation 811522 (VCV000811522.9), dbSNP rs1603264719, ClinGen allele CA414437419.

ClinVar aggregate classification (germline): Pathogenic. Review status: criteria provided, multiple submitters, no conflicts (2 of 4 stars). 2 submissions from 2 submitters: Pathogenic (2). Last evaluated 2025-02-16.

gnomAD v4.1: 1 of 1,198,849 alleles (0.000083%); no homozygotes.

Submissions (2):

Laboratory of Genetics, Children's Clinical University Hospital Latvia
Classification: Pathogenic. Last evaluated: 2025-02-16. Review status: criteria provided, single submitter. Criteria: ACMG Guidelines, 2015. Collection method: clinical testing. Allele origin: germline. Affected: yes.

ARUP Laboratories, Molecular Genetics and Genomics, ARUP Laboratories
Classification: Pathogenic. Last evaluated: 2019-06-04. Review status: criteria provided, single submitter. Criteria: ARUP Molecular Germline Variant Investigation Process. Collection method: clinical testing. Allele origin: germline.
Comment: The F9 c.304T>C; p.Cys102Arg variant, also reported as Cys56Arg, has been described in multiple individuals affected with severe hemophilia B (see link to F9 database and references therein, Giannelli 1994, Hamasaki-Katagiri 2012). It is absent from general population databases (Exome Variant Server and Genome Aggregation Database), indicating it is not a common polymorphism. The cysteine at codon 102 is highly conserved, and computational algorithms (PolyPhen-2, SIFT) predict that this variant is deleterious. Additionally, several other variants at this codon (p.Cys102Ser, p.Cys102Tyr, p.Cys102Ser, and p.Cys102Phe) have been described in multiple individuals affected with hemophilia B (see link to F9 database and references therein). Based on available information, the p.Cys102Arg variant is considered pathogenic. REFERENCES Link to F9 database: Giannelli F et al. Haemophilia B: database of point mutations and short additions and deletions, fifth edition, 1994. Nucleic Acids Res. 1994 Sep;22(17):3534-46. Hamasaki-Katagiri N et al. Analysis of F9 point mutations and their correlation to severity of haemophilia B disease. Haemophilia. 2012 Nov;18(6):933-40.